The following is an entry in ClinVar:

NM_001035.3(RYR2):c.7909G>C (p.Glu2637Gln)

Gene: RYR2 (ryanodine receptor 2; plus strand). Cytogenetic location: 1q43.
Variant type: single nucleotide variant.
Coding change: c.7909G>C on transcript NM_001035.3 (MANE Select); coding-DNA position 7909, G replaced by C.
Protein change: p.Glu2637Gln; replaces glutamic acid 2637 with glutamine.
Molecular consequence: missense variant.
Genome position (GRCh38, 1-based): chr1:237,654,358, G>C. VCF-style: chr1-237654358-G-C. GRCh37 (hg19) VCF-style: chr1-237817658-G-C.
Other names: short protein forms E2637Q.
Identifiers: ClinVar variation 920615 (VCV000920615.5), dbSNP rs1683044275, ClinGen allele CA345400376.

ClinVar aggregate classification (germline): Uncertain significance (1 of 4 stars; one submission).

Conditions:
Cardiomyopathy (CMYO). Also called: Cardiomyopathies. Identifiers: Orphanet 167848, MedGen C0878544, MONDO:0004994, HP:0001638. Inheritance: Various modes of inheritance.

Submission:

Color Diagnostics, LLC DBA Color Health
Classification: Uncertain significance for Cardiomyopathy. Last evaluated: 2023-12-05. Review status: criteria provided, single submitter. Criteria: ACMG Guidelines, 2015. Collection method: clinical testing. Allele origin: germline.
Comment: This missense variant replaces glutamic acid with glutamine at codon 2637 of the RYR2 protein. Computational prediction tools and conservation analyses suggest that this variant may have deleterious impact on the protein function. Computational splicing tools suggest that this variant may not impact RNA splicing. To our knowledge, functional assays have not been performed for this variant nor has this variant been reported in individuals affected with cardiovascular disorders in the literature. This variant has not been identified in the general population by the Genome Aggregation Database (gnomAD). Available evidence is insufficient to determine the role of this variant in disease conclusively. Therefore, this variant is classified as a Variant of Uncertain Significance.